The following is an entry in ClinVar:

ClinVar aggregate classification (germline): Uncertain significance (1 of 4 stars; one submission).

Allele frequency attached by ClinVar (database versions not stated): TOPMed 0.00001.

Submission:

CeGaT Center for Human Genetics Tuebingen
Classification: Uncertain significance. Last evaluated: 2022-03-01. Review status: criteria provided, single submitter. Criteria: CeGaT Center For Human Genetics Tuebingen Variant Classification Criteria Version 2. Collection method: clinical testing. Allele origin: germline. Affected: yes. Observed: 1 variant allele.
Comment: TCIRG1: PM2, BP4

NM_006019.4(TCIRG1):c.630+7A>G

Gene: TCIRG1 (T cell immune regulator 1, ATPase H+ transporting V0 subunit a3; plus strand). Cytogenetic location: 11q13.2.
Variant type: single nucleotide variant.
Coding change: c.630+7A>G on transcript NM_006019.4 (MANE Select); 7 bases into the intron after coding-DNA position 630, A replaced by G.
Molecular consequence: intron variant.
Genome position (GRCh38, 1-based): chr11:68,043,504, A>G. VCF-style: chr11-68043504-A-G. GRCh37 (hg19) VCF-style: chr11-67810971-A-G.
Other names: c.-281+7A>G (NM_001351059.2); c.-19+7A>G (NM_006053.4).
Identifiers: ClinVar variation 2642027 (VCV002642027.24), dbSNP rs1276955230, ClinGen allele CA679549975.